The following is an entry in ClinVar:

ClinVar aggregate classification (germline): Uncertain significance (1 of 4 stars; one submission).

Submission:

CeGaT Center for Human Genetics Tuebingen
Classification: Uncertain significance. Last evaluated: 2025-08-01. Review status: criteria provided, single submitter. Criteria: CeGaT Center For Human Genetics Tuebingen Variant Classification Criteria Version 2. Collection method: clinical testing. Allele origin: germline. Affected: yes. Observed: 1 variant allele.
Comment: U2AF2: PM2, PS2:Moderate

NM_007279.3(U2AF2):c.64A>T (p.Asn22Tyr)

Gene: U2AF2 (U2 small nuclear RNA auxiliary factor 2; plus strand). Cytogenetic location: 19q13.42.
Variant type: single nucleotide variant.
Coding change: c.64A>T on transcript NM_007279.3 (MANE Select); coding-DNA position 64, A replaced by T.
Protein change: p.Asn22Tyr; replaces asparagine 22 with tyrosine.
Molecular consequence: missense variant.
Genome position (GRCh38, 1-based): chr19:55,659,224, A>T. VCF-style: chr19-55659224-A-T. GRCh37 (hg19) VCF-style: chr19-56170590-A-T.
Other names: c.64A>T, p.Asn22Tyr (NM_001012478.2); short protein forms N22Y.
Identifiers: ClinVar variation 4085601 (VCV004085601.8).